The following is an entry in ClinVar:

ClinVar aggregate classification (germline): Benign (1 of 4 stars; one submission).

Conditions:
Ehlers-Danlos syndrome, type 4 (EDSVASC). Also called: Ehlers-Danlos Syndrome Type IV; Ehlers-Danlos syndrome vascular type; Ehlers Danlos syndrome, ecchymotic type; Ehlers Danlos syndrome, arterial type; Ehlers Danlos syndrome, Sack-Barabas type. Identifiers: Orphanet 286, MedGen C0268338, MONDO:0017314, OMIM 130050.

Allele frequency attached by ClinVar (database versions not stated): 1000 Genomes Project 30x 0.00781; gnomAD 0.00655 and 0.00708; TOPMed 0.00758; 1000 Genomes Project 0.00759.
gnomAD v4.1: 2,077 of 1,412,562 alleles (0.15%); highest among the groups gnomAD compares: African/African-American, 2.4%; 22 homozygotes.

Submission:

Illumina Laboratory Services, Illumina
Classification: Benign for Ehlers-Danlos syndrome, type 4. Last evaluated: 2018-01-12. Review status: criteria provided, single submitter. Criteria: ICSL Variant Classification Criteria 13 December 2019. Collection method: clinical testing. Allele origin: germline.
Comment: This variant was observed in the ICSL laboratory as part of a predisposition screen in an ostensibly healthy population. It had not been previously curated by ICSL or reported in the Human Gene Mutation Database (HGMD: prior to June 1st, 2018), and was therefore a candidate for classification through an automated scoring system. Utilizing variant allele frequency, disease prevalence and penetrance estimates, and inheritance mode, an automated score was calculated to assess if this variant is too frequent to cause the disease. Based on the score and internal cut-off values, a variant classified as benign is not then subjected to further curation. The score for this variant resulted in a classification of benign for this disease.

NM_000090.4(COL3A1):c.*88C>T

Gene: COL3A1 (collagen type III alpha 1 chain; plus strand). Cytogenetic location: 2q32.2.
Variant type: single nucleotide variant.
Coding change: c.*88C>T on transcript NM_000090.4 (MANE Select); 88 bases downstream of the stop codon, C replaced by T.
Molecular consequence: 3 prime UTR variant.
Genome position (GRCh38, 1-based): chr2:189,011,862, C>T. VCF-style: chr2-189011862-C-T. GRCh37 (hg19) VCF-style: chr2-189876588-C-T.
Identifiers: ClinVar variation 333074 (VCV000333074.5), dbSNP rs11162, ClinGen allele CA10613458.